The following is an entry in ClinVar:

NM_000631.5(NCF4):c.451C>T (p.Arg151Cys)

Gene: NCF4 (neutrophil cytosolic factor 4; plus strand). Cytogenetic location: 22q12.3.
Variant type: single nucleotide variant.
Coding change: c.451C>T on transcript NM_000631.5 (MANE Select); coding-DNA position 451, C replaced by T.
Protein change: p.Arg151Cys; replaces arginine 151 with cysteine.
Molecular consequence: missense variant.
Genome position (GRCh38, 1-based): chr22:36,870,523, C>T. VCF-style: chr22-36870523-C-T. GRCh37 (hg19) VCF-style: chr22-37266565-C-T.
Other names: p.Arg151Cys; c.451C>T, p.Arg151Cys (NM_013416.4); short protein forms R151C.
Identifiers: ClinVar variation 839355 (VCV000839355.6), dbSNP rs150976323, ClinGen allele CA10212997.

ClinVar aggregate classification (germline): Uncertain significance. Review status: criteria provided, multiple submitters, no conflicts (2 of 4 stars). 2 submissions from 2 submitters: Uncertain significance (2). Last evaluated 2024-09-03.

Conditions:
Granulomatous disease, chronic, autosomal recessive, cytochrome b-positive, type 3. Also called: Granulomatous disease, chronic, autosomal recessive, cytochrome b-positive, type III; GRANULOMATOUS DISEASE, CHRONIC, AUTOSOMAL RECESSIVE, 3; CGD, AUTOSOMAL RECESSIVE CYTOCHROME b-POSITIVE, TYPE III; GRANULOMATOUS DISEASE, CHRONIC, DUE TO NCF4 DEFICIENCY. Identifiers: Orphanet 379, MedGen C3151409, MONDO:0013507, OMIM 613960.

Allele frequency attached by ClinVar (database versions not stated): gnomAD exomes 0.00002 and 0.00004; ExAC 0.00005; gnomAD 0.00007 and 0.00008; ESP Exome Variant Server 0.00008; TOPMed 0.00013; 1000 Genomes Project 0.00020; 1000 Genomes Project 30x 0.00031.

Submissions (2):

Mayo Clinic Laboratories, Mayo Clinic
Classification: Uncertain significance. Last evaluated: 2024-09-03. Review status: criteria provided, single submitter. Criteria: ACMG Guidelines, 2015. Collection method: clinical testing. Allele origin: germline. Observed: 2 variant alleles.

Labcorp Genetics (formerly Invitae), Labcorp
Classification: Uncertain significance for Granulomatous disease, chronic, autosomal recessive, cytochrome b-positive, type 3. Last evaluated: 2021-11-16. Review status: criteria provided, single submitter. Criteria: Invitae Variant Classification Sherloc (09022015). Collection method: clinical testing. Allele origin: germline.
Comment: This sequence change replaces arginine, which is basic and polar, with cysteine, which is neutral and slightly polar, at codon 151 of the NCF4 protein (p.Arg151Cys). This variant is present in population databases (rs150976323, gnomAD 0.02%). This missense change has been observed in individual(s) with inflammatory bowel disease (PMID: 29454792). ClinVar contains an entry for this variant (Variation ID: 839355). Algorithms developed to predict the effect of missense changes on protein structure and function are either unavailable or do not agree on the potential impact of this missense change (SIFT: "Deleterious"; PolyPhen-2: "Possibly Damaging"; Align-GVGD: "Class C0"). In summary, the available evidence is currently insufficient to determine the role of this variant in disease. Therefore, it has been classified as a Variant of Uncertain Significance.

Literature cited by the submitters: PubMed 29454792 (cited by Mayo Clinic Laboratories, Mayo Clinic and Labcorp Genetics (formerly Invitae), Labcorp).